The following is an entry in ClinVar:

ClinVar aggregate classification (germline): Uncertain significance (1 of 4 stars; one submission).

Submission:

Greenwood Genetic Center Diagnostic Laboratories, Greenwood Genetic Center
Classification: Uncertain significance. Last evaluated: 2022-06-20. Review status: criteria provided, single submitter. Criteria: ACMG Guidelines, 2015. Collection method: clinical testing. Allele origin: germline. Affected: yes.
Comment: Gene of Uncertain Significance

NM_173814.6(PRTG):c.3444del (p.Asn1149fs)

Gene: PRTG (protogenin; minus strand). Cytogenetic location: 15q21.3.
Variant type: Deletion.
Coding change: c.3444del on transcript NM_173814.6 (MANE Select); coding-DNA position 3444, one base deleted (C; older notation c.3444delC).
Protein change: p.Asn1149fs; shifts the reading frame from asparagine 1149.
Molecular consequence: frameshift variant.
Genome position (GRCh38, 1-based): chr15:55,620,021, G deleted on the plus strand (C on the coding strand, the reverse complement: PRTG is on the minus strand); the first of 6 consecutive G bases (chr15:55,620,021-55,620,026); deleting any one gives the same sequence. VCF-style (leftmost placement, unchanged base first): chr15-55620020-TG-T. GRCh37 (hg19) VCF-style: chr15-55912218-TG-T.
Other names: short protein forms N1149fs.
Identifiers: ClinVar variation 1703124 (VCV001703124.3), dbSNP rs1299546778, ClinGen allele CA490605921.